The following is an entry in ClinVar:

ClinVar aggregate classification (germline): Conflicting classifications of pathogenicity. Review status: criteria provided, conflicting classifications (1 of 4 stars). 5 submissions from 5 submitters: Uncertain significance (1); Benign (1); Likely benign (3). Last evaluated 2025-12-08.

Conditions:
Breast-ovarian cancer, familial, susceptibility to, 4. Identifiers: Orphanet 145, MedGen C3280345, MONDO:0013669, OMIM 614291.
Hereditary cancer-predisposing syndrome. Also called: Neoplastic Syndromes, Hereditary; Tumor predisposition; Hereditary Cancer Syndrome; Hereditary neoplastic syndrome. Identifiers: Orphanet 140162, MedGen C0027672, MeSH D009386, MONDO:0015356.

Allele frequency attached by ClinVar (database versions not stated): gnomAD 0.00001; gnomAD exomes 0.00001; TOPMed 0.00001.
gnomAD v4.1: 4 of 1,612,026 alleles (0.00025%); highest among the groups gnomAD compares: Admixed American, 0.0067%; no homozygotes.

Submissions (5):

Color Diagnostics, LLC DBA Color Health
Classification: Likely benign for Hereditary cancer-predisposing syndrome. Last evaluated: 2025-12-08. Review status: criteria provided, single submitter. Criteria: ACMG Guidelines, 2015. Collection method: clinical testing. Allele origin: germline.

Labcorp Genetics (formerly Invitae), Labcorp
Classification: Likely benign for Breast-ovarian cancer, familial, susceptibility to, 4. Last evaluated: 2025-03-14. Review status: criteria provided, single submitter. Criteria: Invitae Variant Classification Sherloc (09022015). Collection method: clinical testing. Allele origin: germline.

Myriad Genetics, Inc.
Classification: Benign for Breast-ovarian cancer, familial, susceptibility to, 4. Last evaluated: 2025-02-20. Review status: criteria provided, single submitter. Criteria: Myriad Autosomal Dominant, Autosomal Recessive and X-Linked Classification Criteria (2023). Collection method: clinical testing. Allele origin: unknown.
Comment: This variant is considered benign. This variant is a silent/synonymous amino acid change and it is not expected to impact splicing.

GeneDx
Classification: Uncertain significance. Last evaluated: 2019-12-09. Review status: criteria provided, single submitter. Criteria: GeneDx Variant Classification Process June 2021. Collection method: clinical testing. Allele origin: germline. Affected: yes.
Comment: Not observed in large population cohorts (Lek 2016); In silico analysis, which includes splice predictors and evolutionary conservation, supports that this variant does not alter protein structure/function; Has not been previously published as pathogenic or benign to our knowledge

Ambry Genetics
Classification: Likely benign for Hereditary cancer-predisposing syndrome. Last evaluated: 2017-01-03. Review status: criteria provided, single submitter. Criteria: Ambry Variant Classification Scheme 2023. Collection method: clinical testing. Allele origin: germline.

NM_002878.4(RAD51D):c.75C>T (p.Ile25=)

Genes: RAD51L3-RFFL (RAD51L3-RFFL readthrough; minus strand), RAD51D (RAD51 paralog D; minus strand). Cytogenetic location: 17q12.
Variant type: single nucleotide variant.
Coding change: c.75C>T on transcript NM_002878.4 (MANE Select); coding-DNA position 75, C replaced by T.
Protein change: p.Ile25=; no amino-acid change (isoleucine 25 retained).
Molecular consequence: synonymous variant. On other transcripts: non-coding transcript variant (2).
Genome position (GRCh38, 1-based): chr17:35,119,539, G>A on the plus strand (C>T on the coding strand, the complement: RAD51D is on the minus strand). VCF-style: chr17-35119539-G-A. GRCh37 (hg19) VCF-style: chr17-33446558-G-A.
Other names: c.75C>T, p.Ile25= (NM_133629.3, NM_001142571.2).
Identifiers: ClinVar variation 472622 (VCV000472622.16), dbSNP rs1555570482, ClinGen allele CA499732492.